The following is an entry in ClinVar:

NM_001670.3(ARVCF):c.1332T>C (p.Gly444=)

Gene: ARVCF (ARVCF delta catenin family member; minus strand). Cytogenetic location: 22q11.21.
Variant type: single nucleotide variant.
Coding change: c.1332T>C on transcript NM_001670.3 (MANE Select); coding-DNA position 1332, T replaced by C.
Protein change: p.Gly444=; no amino-acid change (glycine 444 retained).
Molecular consequence: synonymous variant.
Genome position (GRCh38, 1-based): chr22:19,979,807, A>G on the plus strand (T>C on the coding strand, the complement: ARVCF is on the minus strand). VCF-style: chr22-19979807-A-G. GRCh37 (hg19) VCF-style: chr22-19967330-A-G.
Other names: c.1143T>C, p.Gly381= (NM_001410839.1).
Identifiers: ClinVar variation 2652875 (VCV002652875.24), dbSNP rs201082086, ClinGen allele CA10105634.
Genomic context (GRCh38, chr22:19,979,807, plus strand): 5'-GACAAGCTCACGGACCTCGTTGTCCCGGGCAGCCCTCAGCAGGCGCACCAGGGCAGGCAC[A>G]CCACCGCAGTCCCGGATGGCGGCCTTGTTGTCAGTGTCGCGGCCATAGGAGAGGTTGCGC-3'
Protein context (NP_001661.1, residues 434-454): DNKAAIRDCG[Gly444=]VPALVRLLRA

ClinVar aggregate classification (germline): Likely benign (1 of 4 stars; one submission).

Allele frequency attached by ClinVar (database versions not stated): gnomAD 0.00007; TOPMed 0.00007; gnomAD exomes 0.00013; ExAC 0.00024; 1000 Genomes Project 30x 0.00047; 1000 Genomes Project 0.00060.
gnomAD v4.1: 198 of 1,609,244 alleles (0.012%); highest among the groups gnomAD compares: East Asian, 0.41%; 1 homozygote.

Submission:

CeGaT Center for Human Genetics Tuebingen
Classification: Likely benign. Last evaluated: 2022-05-01. Review status: criteria provided, single submitter. Criteria: CeGaT Center For Human Genetics Tuebingen Variant Classification Criteria Version 2. Collection method: clinical testing. Allele origin: germline. Affected: yes. Observed: 1 variant allele.
Comment: ARVCF: BP4, BP7